The following is an entry in ClinVar:

NM_000038.6(APC):c.4298C>G (p.Pro1433Arg)

Gene: APC (APC regulator of Wnt signaling pathway; plus strand). Cytogenetic location: 5q22.2.
Variant type: single nucleotide variant.
Coding change: c.4298C>G on transcript NM_000038.6 (MANE Select); coding-DNA position 4298, C replaced by G.
Protein change: p.Pro1433Arg; replaces proline 1433 with arginine.
Molecular consequence: missense variant.
Genome position (GRCh38, 1-based): chr5:112,839,892, C>G. VCF-style: chr5-112839892-C-G. GRCh37 (hg19) VCF-style: chr5-112175589-C-G.
Other names: c.4298C>G, p.Pro1433Arg (NM_001127510.3, NM_001354895.2); c.4244C>G, p.Pro1415Arg (NM_001127511.3); c.4352C>G, p.Pro1451Arg (NM_001354896.2); c.4328C>G, p.Pro1443Arg (NM_001354897.2); c.4223C>G, p.Pro1408Arg (NM_001354898.2); c.4214C>G, p.Pro1405Arg (NM_001354899.2); c.4175C>G, p.Pro1392Arg (NM_001354900.2); c.4121C>G, p.Pro1374Arg (NM_001354901.2); and 5 more; short protein forms P1150R, P1342R, P1405R, P1408R, P1433R, P1273R, P1374R, P1451R.
Identifiers: ClinVar variation 824765 (VCV000824765.5), dbSNP rs1580646213, ClinGen allele CA16030751.

ClinVar aggregate classification (germline): Uncertain significance. Review status: criteria provided, multiple submitters, no conflicts (2 of 4 stars). 2 submissions from 2 submitters: Uncertain significance (2). Last evaluated 2025-09-16.

Conditions:
Hereditary cancer-predisposing syndrome. Also called: Neoplastic Syndromes, Hereditary; Tumor predisposition; Hereditary neoplastic syndrome; Hereditary Cancer Syndrome. Identifiers: Orphanet 140162, MedGen C0027672, MeSH D009386, MONDO:0015356.
Familial adenomatous polyposis 1 (FAP1). Also called: POLYPOSIS, ADENOMATOUS INTESTINAL; FAMILIAL ADENOMATOUS POLYPOSIS 1, ATTENUATED. Identifiers: MedGen C2713442, MONDO:0021056, OMIM 175100. Disease mechanism: loss of function.

Allele frequency attached by ClinVar (database versions not stated): gnomAD exomes below 0.00001.
gnomAD v4.1: 1 of 1,613,992 alleles (0.000062%); highest among the groups gnomAD compares: Non-Finnish European, 0.000085%; no homozygotes.

Submissions (2):

Labcorp Genetics (formerly Invitae), Labcorp
Classification: Uncertain significance for Familial adenomatous polyposis 1. Last evaluated: 2025-09-16. Review status: criteria provided, single submitter. Criteria: Invitae Variant Classification Sherloc (09022015). Collection method: clinical testing. Allele origin: germline.
Comment: This sequence change replaces proline, which is neutral and non-polar, with arginine, which is basic and polar, at codon 1433 of the APC protein (p.Pro1433Arg). This variant is not present in population databases (gnomAD no frequency). This variant has not been reported in the literature in individuals affected with APC-related conditions. ClinVar contains an entry for this variant (Variation ID: 824765). Invitae Evidence Modeling of protein sequence and biophysical properties (such as structural, functional, and spatial information, amino acid conservation, physicochemical variation, residue mobility, and thermodynamic stability) indicates that this missense variant is not expected to disrupt APC protein function with a negative predictive value of 95%. In summary, the available evidence is currently insufficient to determine the role of this variant in disease. Therefore, it has been classified as a Variant of Uncertain Significance.

Ambry Genetics
Classification: Uncertain significance for Hereditary cancer-predisposing syndrome. Last evaluated: 2019-06-30. Review status: criteria provided, single submitter. Criteria: Ambry Variant Classification Scheme 2023. Collection method: clinical testing. Allele origin: germline.
Comment: The p.P1433R variant (also known as c.4298C>G), located in coding exon 15 of the APC gene, results from a C to G substitution at nucleotide position 4298. The proline at codon 1433 is replaced by arginine, an amino acid with dissimilar properties. This amino acid position is highly conserved in available vertebrate species. In addition, in silico predictors for this gene do not accurately predict pathogenicity. Since supporting evidence is limited at this time, the clinical significance of this alteration remains unclear.